The following is an entry in ClinVar:

ClinVar aggregate classification (germline): Uncertain significance (1 of 4 stars; one submission).

Conditions:
Bloom syndrome (BLM). Also called: Bloom-Torre-Machacek syndrome. Identifiers: Orphanet 125, MedGen C0005859, MONDO:0008876, OMIM 210900.

Submission:

Labcorp Genetics (formerly Invitae), Labcorp
Classification: Uncertain significance for Bloom syndrome. Last evaluated: 2023-03-24. Review status: criteria provided, single submitter. Criteria: Invitae Variant Classification Sherloc (09022015). Collection method: clinical testing. Allele origin: germline.
Comment: This sequence change replaces histidine, which is basic and polar, with arginine, which is basic and polar, at codon 457 of the BLM protein (p.His457Arg). This variant is not present in population databases (gnomAD no frequency). This variant has not been reported in the literature in individuals affected with BLM-related conditions. ClinVar contains an entry for this variant (Variation ID: 1425598). Advanced modeling of protein sequence and biophysical properties (such as structural, functional, and spatial information, amino acid conservation, physicochemical variation, residue mobility, and thermodynamic stability) performed at Invitae indicates that this missense variant is not expected to disrupt BLM protein function. In summary, the available evidence is currently insufficient to determine the role of this variant in disease. Therefore, it has been classified as a Variant of Uncertain Significance.

NM_000057.4(BLM):c.1370A>G (p.His457Arg)

Gene: BLM (BLM RecQ like helicase; plus strand). Cytogenetic location: 15q26.1.
Variant type: single nucleotide variant.
Coding change: c.1370A>G on transcript NM_000057.4 (MANE Select); coding-DNA position 1370, A replaced by G.
Protein change: p.His457Arg; replaces histidine 457 with arginine.
Molecular consequence: missense variant.
Genome position (GRCh38, 1-based): chr15:90,760,743, A>G. VCF-style: chr15-90760743-A-G. GRCh37 (hg19) VCF-style: chr15-91303973-A-G.
Other names: c.1370A>G, p.His457Arg (NM_001287246.2, NM_001287247.2); c.245A>G, p.His82Arg (NM_001287248.2); short protein forms H82R, H457R.
Identifiers: ClinVar variation 1425598 (VCV001425598.8), dbSNP rs2151158103, ClinGen allele CA393842917.
Genomic context (GRCh38, chr15:90,760,743, plus strand): 5'-GCCCTATGGAGGGTGATTCCTGCCCTACAGGGAATTCTATGAAGGAGTTAAATTTTTCAC[A>G]CCTTCCCTCAAATTCTGTTTCTCCTGGGGACTGTTTACTGACTACCACCCTAGGAAAGAC-3'
Protein context (NP_000048.1, residues 447-467): GNSMKELNFS[His457Arg]LPSNSVSPGD